The following is an entry in ClinVar:

ClinVar aggregate classification (germline): Uncertain significance (1 of 4 stars; one submission).

Allele frequency attached by ClinVar (database versions not stated): gnomAD exomes below 0.00001; TOPMed below 0.00001; ExAC 0.00001; gnomAD 0.00001.
gnomAD v4.1: 3 of 1,491,006 alleles (0.0002%); highest among the groups gnomAD compares: Non-Finnish European, 0.00028%; no homozygotes.

Submission:

Labcorp Genetics (formerly Invitae), Labcorp
Classification: Uncertain significance. Last evaluated: 2022-05-06. Review status: criteria provided, single submitter. Criteria: Invitae Variant Classification Sherloc (09022015). Collection method: clinical testing. Allele origin: germline.
Comment: In summary, the available evidence is currently insufficient to determine the role of this variant in disease. Therefore, it has been classified as a Variant of Uncertain Significance. Algorithms developed to predict the effect of sequence changes on RNA splicing suggest that this variant may disrupt the consensus splice site. This variant has not been reported in the literature in individuals affected with GINS1-related conditions. This variant is present in population databases (rs756699530, gnomAD 0.0009%). This sequence change affects a donor splice site in intron 3 of the GINS1 gene. It is expected to disrupt RNA splicing. Variants that disrupt the donor or acceptor splice site typically lead to a loss of protein function (PMID: 16199547), however the current clinical and genetic evidence is not sufficient to establish whether loss-of-function variants in GINS1 cause disease.

Literature cited by the submitters: PubMed 16199547.

NM_021067.5(GINS1):c.239+1G>T

Gene: GINS1 (GINS complex subunit 1; plus strand). Cytogenetic location: 20p11.21.
Variant type: single nucleotide variant.
Coding change: c.239+1G>T on transcript NM_021067.5 (MANE Select); the canonical splice donor site of the intron after coding-DNA position 239, G replaced by T.
Molecular consequence: splice donor variant. On other transcripts: intron variant (1).
Genome position (GRCh38, 1-based): chr20:25,417,203, G>T. VCF-style: chr20-25417203-G-T. GRCh37 (hg19) VCF-style: chr20-25397839-G-T.
Other names: c.239+1G>T (NM_001410830.1); c.76-8008G>T (NM_001410831.1).
Identifiers: ClinVar variation 2134658 (VCV002134658.4), dbSNP rs756699530, ClinGen allele CA9796462.
Genomic context (GRCh38, chr20:25,417,203, plus strand): 5'-AACTATCAAATTTCGACACTGTTCTCTGTTAAGAAATCGACGCTGCACTGTAGCATACCT[G>T]TAAGCTTCTCAGTTTTTGCTTGGGGTGGCAGGATTTTCTGTGTGGCTTCCCAGTTGACCA-3'